The following is an entry in ClinVar:

NM_018139.3(DNAAF2):c.1563G>T (p.Leu521Phe)

Gene: DNAAF2 (dynein axonemal assembly factor 2; minus strand). Cytogenetic location: 14q21.3.
Variant type: single nucleotide variant.
Coding change: c.1563G>T on transcript NM_018139.3 (MANE Select); coding-DNA position 1563, G replaced by T.
Protein change: p.Leu521Phe; replaces leucine 521 with phenylalanine.
Molecular consequence: missense variant. On other transcripts: 5 prime UTR variant (1).
Genome position (GRCh38, 1-based): chr14:49,633,587, C>A on the plus strand (G>T on the coding strand, the complement: DNAAF2 is on the minus strand). VCF-style: chr14-49633587-C-A. GRCh37 (hg19) VCF-style: chr14-50100305-C-A.
Other names: c.1563G>T (NM_018139.2); c.1563G>T, p.Leu521Phe (NM_001083908.2); c.-309G>T (NM_001378453.1); short protein forms L521F.
Identifiers: ClinVar variation 1347366 (VCV001347366.5), dbSNP rs1485202846, ClinGen allele CA389626786.

ClinVar aggregate classification (germline): Uncertain significance. Review status: criteria provided, multiple submitters, no conflicts (2 of 4 stars). 3 submissions from 3 submitters: Uncertain significance (3). Last evaluated 2024-12-18.

Conditions:
DNAAF2-related disorder. Also called: DNAAF2-related condition.
Primary ciliary dyskinesia. Also called: Ciliary dyskinesia. Identifiers: Orphanet 244, MedGen C0008780, MONDO:0016575, HP:0012265.

Allele frequency attached by ClinVar (database versions not stated): gnomAD 0.00001 and 0.00002; gnomAD exomes 0.00002; TOPMed 0.00002.
gnomAD v4.1: 9 of 1,613,828 alleles (0.00056%); highest among the groups gnomAD compares: Admixed American, 0.015%; no homozygotes.

Submissions (3):

PreventionGenetics, part of Exact Sciences
Classification: Uncertain significance for DNAAF2-related condition. Last evaluated: 2024-12-18. Review status: criteria provided, single submitter. Criteria: ACMG Guidelines, 2015. Collection method: clinical testing. Allele origin: germline.
Comment: The DNAAF2 c.1563G>T variant is predicted to result in the amino acid substitution p.Leu521Phe. To our knowledge, this variant has not been reported in the literature. This variant is reported in 0.014% of alleles in individuals of Latino descent in gnomAD. At this time, the clinical significance of this variant is uncertain due to the absence of conclusive functional and genetic evidence.

Ambry Genetics
Classification: Uncertain significance for Primary ciliary dyskinesia. Last evaluated: 2024-08-19. Review status: criteria provided, single submitter. Criteria: Ambry Variant Classification Scheme 2023. Collection method: clinical testing. Allele origin: germline.
Comment: The p.L521F variant (also known as c.1563G>T), located in coding exon 1 of the DNAAF2 gene, results from a G to T substitution at nucleotide position 1563. The leucine at codon 521 is replaced by phenylalanine, an amino acid with highly similar properties. This amino acid position is conserved. In addition, this alteration is predicted to be tolerated by in silico analysis. Based on the available evidence, the clinical significance of this variant remains unclear.

Labcorp Genetics (formerly Invitae), Labcorp
Classification: Uncertain significance for Primary ciliary dyskinesia. Last evaluated: 2022-07-10. Review status: criteria provided, single submitter. Criteria: Invitae Variant Classification Sherloc (09022015). Collection method: clinical testing. Allele origin: germline.
Comment: This sequence change replaces leucine, which is neutral and non-polar, with phenylalanine, which is neutral and non-polar, at codon 521 of the DNAAF2 protein (p.Leu521Phe). This variant is present in population databases (no rsID available, gnomAD 0.01%). This variant has not been reported in the literature in individuals affected with DNAAF2-related conditions. ClinVar contains an entry for this variant (Variation ID: 1347366). Algorithms developed to predict the effect of missense changes on protein structure and function are either unavailable or do not agree on the potential impact of this missense change (SIFT: "Deleterious"; PolyPhen-2: "Possibly Damaging"; Align-GVGD: "Class C0"). In summary, the available evidence is currently insufficient to determine the role of this variant in disease. Therefore, it has been classified as a Variant of Uncertain Significance.